The following is an entry in ClinVar:

NM_001267550.2(TTN):c.39820C>T (p.Pro13274Ser)

Gene: TTN (titin; minus strand). Cytogenetic location: 2q31.2.
Variant type: single nucleotide variant.
Coding change: c.39820C>T on transcript NM_001267550.2 (MANE Select); coding-DNA position 39820, C replaced by T.
Protein change: p.Pro13274Ser; replaces proline 13274 with serine.
Molecular consequence: missense variant. On other transcripts: intron variant (3).
Genome position (GRCh38, 1-based): chr2:178,649,892, G>A on the plus strand (C>T on the coding strand, the complement: TTN is on the minus strand). VCF-style: chr2-178649892-G-A. GRCh37 (hg19) VCF-style: chr2-179514619-G-A.
Other names: c.35299C>T, p.Pro11767Ser (NM_001256850.1); c.32518C>T, p.Pro10840Ser (NM_133378.4); c.13283-7575C>T (NM_003319.4); c.13859-7575C>T (NM_133437.4); c.13658-7575C>T (NM_133432.3); short protein forms P10840S, P11767S, P13274S.
Identifiers: ClinVar variation 4987884 (VCV004987884.1), dbSNP rs765750954.
Genomic context (GRCh38, chr2:178,649,892, plus strand): 5'-CTTCTGGTTTTTTGATGACAGGAACTTTCTTCTCTGGGATGATCTTCTTGGGCTCTTCAG[G>A]CACTTGAATAATAGGAATTTCTTTTAGAATTAGGTGATTACAATGAAAAATTTAATGCTA-3'
Protein context (NP_001254479.2, residues 13264-13284): EEPEVPPPAV[Pro13274Ser]EEPKKIIPEK

ClinVar aggregate classification (germline): Uncertain significance (1 of 4 stars; one submission).

Conditions:
TTN-related disorder. Also called: TTN-related disorders; TTN-related condition; TTN-related disease.

Allele frequency attached by ClinVar (database versions not stated): gnomAD 0.00002; TOPMed 0.00008 and 0.00016; ExAC 0.00011; gnomAD exomes 0.00011.
gnomAD v4.1: 58 of 1,601,712 alleles (0.0036%); highest among the groups gnomAD compares: East Asian, 0.12%; no homozygotes.

Submission:

PreventionGenetics, part of Exact Sciences
Classification: Uncertain significance for TTN-related condition. Last evaluated: 2025-04-17. Review status: criteria provided, single submitter. Criteria: ACMG Guidelines, 2015. Collection method: clinical testing. Allele origin: germline.
Comment: The TTN c.39820C>T variant is predicted to result in the amino acid substitution p.Pro13274Ser. To our knowledge, this variant has not been reported in the literature. This variant is reported in 0.15% of alleles in individuals of East Asian descent in gnomAD. Although we suspect that this variant may be benign, at this time, the clinical significance of this variant is uncertain due to the absence of conclusive functional and genetic evidence.